The following is an entry in ClinVar:

ClinVar aggregate classification (germline): Uncertain significance (0 of 4 stars; one submission).

Conditions:
FLNA-related disorder.

Submission:

PreventionGenetics, part of Exact Sciences
Classification: Uncertain significance for FLNA-related condition. Last evaluated: 2024-06-17. Review status: no assertion criteria provided. Collection method: clinical testing. Allele origin: germline.
Comment: The FLNA c.1282G>T variant is predicted to result in the amino acid substitution p.Gly428Cys. To our knowledge, this variant has not been reported in the literature or in a large population database, indicating this variant is rare. At this time, the clinical significance of this variant is uncertain due to the absence of conclusive functional and genetic evidence.

NM_001110556.2(FLNA):c.1282G>T (p.Gly428Cys)

Gene: FLNA (filamin A; minus strand). Cytogenetic location: Xq28.
Variant type: single nucleotide variant.
Coding change: c.1282G>T on transcript NM_001110556.2 (MANE Select); coding-DNA position 1282, G replaced by T.
Protein change: p.Gly428Cys; replaces glycine 428 with cysteine.
Molecular consequence: missense variant.
Genome position (GRCh38, 1-based): chrX:154,366,171, C>A on the plus strand (G>T on the coding strand, the complement: FLNA is on the minus strand). VCF-style: chrX-154366171-C-A. GRCh37 (hg19) VCF-style: chrX-153594539-C-A.
Other names: c.1282G>T, p.Gly428Cys (NM_001456.4); short protein forms G428C.
Identifiers: ClinVar variation 3346596 (VCV003346596.1).
Genomic context (GRCh38, chrX:154,366,171, plus strand): 5'-GCTGGTAGCTGCAGCGGTATGTGCTGTCGCCCCGGGCCTCCAGCTGAGGCTCTACCGTGC[C>A]CTTCTGTCCCATGGGGTCCTGGATCACAACCTCGACCTCGCCCGTGCCAGCTCCTGCCAC-3'
Protein context (NP_001104026.1, residues 418-438): VVIQDPMGQK[Gly428Cys]TVEPQLEARG